The following is an entry in ClinVar:

NM_017849.4(TMEM127):c.379C>T (p.Arg127Cys)

Gene: TMEM127 (transmembrane protein 127; minus strand). Cytogenetic location: 2q11.2.
Variant type: single nucleotide variant.
Coding change: c.379C>T on transcript NM_017849.4 (MANE Select); coding-DNA position 379, C replaced by T.
Protein change: p.Arg127Cys; replaces arginine 127 with cysteine.
Molecular consequence: missense variant.
Genome position (GRCh38, 1-based): chr2:96,254,863, G>A on the plus strand (C>T on the coding strand, the complement: TMEM127 is on the minus strand). VCF-style: chr2-96254863-G-A. GRCh37 (hg19) VCF-style: chr2-96920601-G-A.
Other names: c.379C>T, p.Arg127Cys (NM_001193304.3); short protein forms R127C.
Identifiers: ClinVar variation 337504 (VCV000337504.24), dbSNP rs746883021, ClinGen allele CA1777342.
Genomic context (GRCh38, chr2:96,254,863, plus strand): 5'-TCTCCCACTGTGAGCAGGCTCACGGCTTACCCGTTAGGATATGGGCGAAGGCATAGCGAC[G>A]AGTGATCTTCAGAGCAGGATGCTTCGGCCCAAAGACATCCAGAAGGAAAGCGGAGAGACT-3'
Protein context (NP_060319.1, residues 117-137): GPKHPALKIT[Arg127Cys]RYAFAHILTV

ClinVar aggregate classification (germline): Uncertain significance. Review status: criteria provided, multiple submitters, no conflicts (2 of 4 stars). 8 submissions from 8 submitters: Uncertain significance (8). Last evaluated 2026-07-15.

Conditions:
Pheochromocytoma. Also called: MAX-Related Hereditary Paraganglioma-Pheochromocytoma Syndrome. Identifiers: Orphanet 29072, MedGen C0031511, MONDO:0008233, OMIM 171300, HP:0002666.
TMEM127-related disorder. Also called: TMEM127-related condition.
Hereditary cancer-predisposing syndrome. Also called: Hereditary Cancer Syndrome; Neoplastic Syndromes, Hereditary; Tumor predisposition; Hereditary neoplastic syndrome. Identifiers: Orphanet 140162, MedGen C0027672, MeSH D009386, MONDO:0015356.
Hereditary pheochromocytoma and paraganglioma. Also called: Hereditary pheochromocytoma-paraganglioma; Hereditary Paraganglioma-Pheochromocytoma Syndromes; Hereditary paragangliomas and pheochromocytomas. Identifiers: Orphanet 29072, MedGen C4274332, MONDO:0017366.

Allele frequency attached by ClinVar (database versions not stated): ExAC 0.00001; gnomAD exomes 0.00001; TOPMed 0.00002; gnomAD 0.00003.

Submissions (8):

PreventionGenetics, part of Exact Sciences
Classification: Uncertain significance for TMEM127-related condition. Last evaluated: 2026-07-15. Review status: criteria provided, single submitter. Criteria: ACMG Guidelines, 2015. Collection method: clinical testing. Allele origin: germline.
Comment: The TMEM127 c.379C>T variant is predicted to result in the amino acid substitution p.Arg127Cys. To our knowledge, this variant has not been reported in the literature. This variant is reported in 0.0050% of alleles in individuals of East Asian descent in gnomAD. This variant is interpreted as uncertain in ClinVar (Variation ID: 337504). At this time, the clinical significance of this variant is uncertain due to the absence of conclusive functional and genetic evidence.

Ambry Genetics
Classification: Uncertain significance for Hereditary cancer-predisposing syndrome. Last evaluated: 2025-11-11. Review status: criteria provided, single submitter. Criteria: Ambry Variant Classification Scheme 2023. Collection method: clinical testing. Allele origin: germline.
Comment: The c.379C>T (p.R127C) alteration is located in exon 3 (coding exon 2) of the TMEM127 gene. This alteration results from a C to T substitution at nucleotide position 379, causing the arginine (R) at amino acid position 127 to be replaced by a cysteine (C). Based on data from gnomAD, the T allele has an overall frequency of 0.001% (4/282858) total alleles studied. The highest observed frequency was 0.005% (1/19952) of East Asian alleles. Based on insufficient or conflicting evidence, the clinical significance of this alteration remains unclear.

Labcorp Genetics (formerly Invitae), Labcorp
Classification: Uncertain significance for Hereditary pheochromocytoma and paraganglioma. Last evaluated: 2025-10-27. Review status: criteria provided, single submitter. Criteria: Invitae Variant Classification Sherloc (09022015). Collection method: clinical testing. Allele origin: germline.
Comment: This sequence change replaces arginine, which is basic and polar, with cysteine, which is neutral and slightly polar, at codon 127 of the TMEM127 protein (p.Arg127Cys). This variant is present in population databases (rs746883021, gnomAD 0.005%). This variant has not been reported in the literature in individuals affected with TMEM127-related conditions. ClinVar contains an entry for this variant (Variation ID: 337504). An algorithm developed to predict the effect of missense changes on protein structure and function (PolyPhen-2) suggests that this variant is likely to be disruptive. In summary, the available evidence is currently insufficient to determine the role of this variant in disease. Therefore, it has been classified as a Variant of Uncertain Significance.

Fulgent Genetics
Classification: Uncertain significance for Pheochromocytoma. Last evaluated: 2024-02-29. Review status: criteria provided, single submitter. Criteria: ACMG Guidelines, 2015. Collection method: clinical testing. Allele origin: germline.

Baylor Genetics
Classification: Uncertain significance for Pheochromocytoma. Last evaluated: 2023-10-08. Review status: criteria provided, single submitter. Criteria: ACMG Guidelines, 2015. Collection method: clinical testing. Allele origin: unknown.

GeneDx
Classification: Uncertain significance. Last evaluated: 2022-10-05. Review status: criteria provided, single submitter. Criteria: GeneDx Variant Classification Process June 2021. Collection method: clinical testing. Allele origin: germline. Affected: yes.
Comment: Not observed at significant frequency in large population cohorts (gnomAD); In silico analysis supports that this missense variant has a deleterious effect on protein structure/function; Has not been previously published as pathogenic or benign to our knowledge; This variant is associated with the following publications: (PMID: 31925297)

Sema4
Classification: Uncertain significance for Hereditary cancer-predisposing syndrome. Last evaluated: 2021-09-30. Review status: criteria provided, single submitter. Criteria: Sema4 Curation Guidelines. Collection method: curation. Allele origin: germline.
Comment: The TMEM127 c.379C>T (p.R127C) variant has not been reported in the literature to our knowledge. It was observed in 4/282858 chromosomes across all populations in the large and broad cohorts of the Genome Aggregation Database (PMID: 32461654). The variant has been reported in ClinVar (Variation ID: 337504). Functional studies have not been performed, and in silico predictions of the variant's effect on protein function are inconclusive. The evidence is insufficient to meet ACMG/AMP criteria for classifying the variant as benign or pathogenic. Thus, the clinical significance of this variant is currently uncertain.

Illumina Laboratory Services, Illumina
Classification: Uncertain significance for Pheochromocytoma. Last evaluated: 2018-01-13. Review status: criteria provided, single submitter. Criteria: ICSL Variant Classification Criteria 13 December 2019. Collection method: clinical testing. Allele origin: germline.